The following is an entry in ClinVar:

NM_014244.5(ADAMTS2):c.36_37insAGCA (p.Cys13fs)

Gene: ADAMTS2 (ADAM metallopeptidase with thrombospondin type 1 motif 2; minus strand). Cytogenetic location: 5q35.3.
Variant type: Insertion.
Coding change: c.36_37insAGCA on transcript NM_014244.5 (MANE Select); coding-DNA positions 36 to 37, AGCA inserted.
Protein change: p.Cys13fs; shifts the reading frame from cysteine 13.
Molecular consequence: frameshift variant.
Genome position: GRCh38 VCF-style: chr5-179345292-A-ATGCT. GRCh37 (hg19) VCF-style: chr5-178772293-A-ATGCT.
Other names: c.36_37insAGCA, p.Cys13fs (NM_021599.4); short protein forms C13fs.
Identifiers: ClinVar variation 5010466 (VCV005010466.1).

ClinVar aggregate classification (germline): Pathogenic (1 of 4 stars; one submission).

Conditions:
Ehlers-Danlos syndrome, dermatosparaxis type. Also called: EDS VIIC; Dermatosparaxis; Ehlers-Danlos syndrome, type VII, autosomal recessive. Identifiers: Orphanet 1901, MedGen C2700425, MONDO:0009161, OMIM 225410.

Submission:

Myriad Genetics, Inc.
Classification: Pathogenic for Ehlers-Danlos syndrome, dermatosparaxis type. Last evaluated: 2024-05-14. Review status: criteria provided, single submitter. Criteria: Myriad Autosomal Dominant, Autosomal Recessive and X-Linked Classification Criteria (2023). Collection method: clinical testing. Allele origin: unknown.
Comment: NM_014244.4(ADAMTS2):c.36_37insAGCA(C13Sfs*54) is expected to be pathogenic in the context of Ehlers-Danlos syndrome, ADAMTS2-related. This variant is predicted to lead to an abnormal or absent protein product due to the creation of a premature termination codon in ADAMTS2, a gene where loss-of-function variants are known to be pathogenic. Please note: this variant was assessed in the context of healthy population screening.